The following is an entry in ClinVar:

ClinVar aggregate classification (germline): Uncertain significance (1 of 4 stars; one submission).

Submission:

Labcorp Genetics (formerly Invitae), Labcorp
Classification: Uncertain significance. Last evaluated: 2024-01-30. Review status: criteria provided, single submitter. Criteria: Invitae Variant Classification Sherloc (09022015). Collection method: clinical testing. Allele origin: germline.
Comment: This sequence change replaces histidine, which is basic and polar, with tyrosine, which is neutral and polar, at codon 1820 of the CNOT1 protein (p.His1820Tyr). This variant is not present in population databases (gnomAD no frequency). This variant has not been reported in the literature in individuals affected with CNOT1-related conditions. An algorithm developed to predict the effect of missense changes on protein structure and function (PolyPhen-2) suggests that this variant is likely to be tolerated. In summary, the available evidence is currently insufficient to determine the role of this variant in disease. Therefore, it has been classified as a Variant of Uncertain Significance.

NM_016284.5(CNOT1):c.5473C>T (p.His1825Tyr)

Gene: CNOT1 (CCR4-NOT transcription complex subunit 1; minus strand). Cytogenetic location: 16q21.
Variant type: single nucleotide variant.
Coding change: c.5473C>T on transcript NM_016284.5 (MANE Select); coding-DNA position 5473, C replaced by T.
Protein change: p.His1825Tyr; replaces histidine 1825 with tyrosine.
Molecular consequence: missense variant. On other transcripts: non-coding transcript variant (1).
Genome position (GRCh38, 1-based): chr16:58,537,162, G>A on the plus strand (C>T on the coding strand, the complement: CNOT1 is on the minus strand). VCF-style: chr16-58537162-G-A. GRCh37 (hg19) VCF-style: chr16-58571066-G-A.
Other names: c.5458C>T, p.His1820Tyr (NM_001265612.2); short protein forms H1820Y, H1825Y.
Identifiers: ClinVar variation 3630632 (VCV003630632.2).